The following is an entry in ClinVar:

NM_001110556.2(FLNA):c.5550C>G (p.His1850Gln)

Gene: FLNA (filamin A; minus strand). Cytogenetic location: Xq28.
Variant type: single nucleotide variant.
Coding change: c.5550C>G on transcript NM_001110556.2 (MANE Select); coding-DNA position 5550, C replaced by G.
Protein change: p.His1850Gln; replaces histidine 1850 with glutamine.
Molecular consequence: missense variant.
Genome position (GRCh38, 1-based): chrX:154,354,158, G>C on the plus strand (C>G on the coding strand, the complement: FLNA is on the minus strand). VCF-style: chrX-154354158-G-C. GRCh37 (hg19) VCF-style: chrX-153582526-G-C.
Other names: c.5526C>G, p.His1842Gln (NM_001456.4); short protein forms H1842Q, H1850Q.
Identifiers: ClinVar variation 2151779 (VCV002151779.4), dbSNP rs2067644387, ClinGen allele CA415203679.

ClinVar aggregate classification (germline): Uncertain significance (1 of 4 stars; one submission).

Conditions:
Oto-palato-digital syndrome, type II (OPD2). Also called: Otopalatodigital Syndrome Type 2 (FLNA-OPD2); Otopalatodigital Syndrome, Type II; FACIOPALATOOSSEOUS SYNDROME; OPD II SYNDROME. Identifiers: Orphanet 669, Orphanet 90652, MedGen C1844696, MONDO:0010571, OMIM 304120.
Frontometaphyseal dysplasia (FMD1). Identifiers: Orphanet 1826, MedGen C0265293, MONDO:0015942.
Melnick-Needles syndrome (MNS). Also called: Melnick-Needles Syndrome (FLNA-MNS); MELNICK-NEEDLES OSTEODYSPLASTY; OSTEODYSPLASTY OF MELNICK AND NEEDLES. Identifiers: Orphanet 2484, MedGen C0025237, MONDO:0010650, OMIM 309350.
Heterotopia, periventricular, X-linked dominant (PVNH1). Also called: PERIVENTRICULAR NODULAR HETEROTOPIA 4; HETEROTOPIA, PERIVENTRICULAR, 1; X-linked periventricular heterotopia; PERIVENTRICULAR NODULAR HETEROTOPIA 1. Identifiers: Orphanet 2149, Orphanet 82004, MedGen C1848213, MONDO:0010233, OMIM 300049.

Submission:

Labcorp Genetics (formerly Invitae), Labcorp
Classification: Uncertain significance for Oto-palato-digital syndrome, type II; Heterotopia, periventricular, X-linked dominant; Frontometaphyseal dysplasia; Melnick-Needles syndrome. Last evaluated: 2024-11-05. Review status: criteria provided, single submitter. Criteria: Invitae Variant Classification Sherloc (09022015). Collection method: clinical testing. Allele origin: germline.
Comment: This sequence change replaces histidine, which is basic and polar, with glutamine, which is neutral and polar, at codon 1842 of the FLNA protein (p.His1842Gln). This variant is not present in population databases (gnomAD no frequency). This variant has not been reported in the literature in individuals affected with FLNA-related conditions. ClinVar contains an entry for this variant (Variation ID: 2151779). Invitae Evidence Modeling of protein sequence and biophysical properties (such as structural, functional, and spatial information, amino acid conservation, physicochemical variation, residue mobility, and thermodynamic stability) indicates that this missense variant is not expected to disrupt FLNA protein function with a negative predictive value of 95%. In summary, the available evidence is currently insufficient to determine the role of this variant in disease. Therefore, it has been classified as a Variant of Uncertain Significance.